The following is an entry in ClinVar:

NM_000400.4(ERCC2):c.1681A>T (p.Ile561Phe)

Gene: ERCC2 (ERCC excision repair 2, TFIIH core complex helicase subunit; minus strand). Cytogenetic location: 19q13.32.
Variant type: single nucleotide variant.
Coding change: c.1681A>T on transcript NM_000400.4 (MANE Select); coding-DNA position 1681, A replaced by T.
Protein change: p.Ile561Phe; replaces isoleucine 561 with phenylalanine.
Molecular consequence: missense variant.
Genome position (GRCh38, 1-based): chr19:45,353,319, T>A on the plus strand (A>T on the coding strand, the complement: ERCC2 is on the minus strand). VCF-style: chr19-45353319-T-A. GRCh37 (hg19) VCF-style: chr19-45856577-T-A.
Other names: short protein forms I561F.
Identifiers: ClinVar variation 1777919 (VCV001777919.2), dbSNP rs1971891817, ClinGen allele CA406364515.

ClinVar aggregate classification (germline): Uncertain significance (1 of 4 stars; one submission).

Conditions:
Inborn genetic diseases. Identifiers: MedGen C0950123, MeSH D030342.

Submission:

Ambry Genetics
Classification: Uncertain significance for Inborn genetic diseases. Last evaluated: 2023-11-09. Review status: criteria provided, single submitter. Criteria: Ambry Variant Classification Scheme 2023. Collection method: clinical testing. Allele origin: germline.
Comment: The p.I561F variant (also known as c.1681A>T), located in coding exon 18 of the ERCC2 gene, results from an A to T substitution at nucleotide position 1681. The isoleucine at codon 561 is replaced by phenylalanine, an amino acid with highly similar properties. This amino acid position is conserved. In addition, this alteration is predicted to be deleterious by in silico analysis. Since supporting evidence is limited at this time, the clinical significance of this alteration remains unclear.